The following is an entry in ClinVar:

ClinVar aggregate classification (germline): Benign/Likely benign. Review status: criteria provided, multiple submitters, no conflicts (2 of 4 stars). 2 submissions from 2 submitters: Benign (1); Likely benign (1). Last evaluated 2025-10-13.

Conditions:
Familial melanoma. Also called: Hereditary melanoma; Hereditary cutaneous melanoma. Identifiers: Orphanet 618, MedGen C1512419, MONDO:0018961.
Melanoma-pancreatic cancer syndrome. Identifiers: Orphanet 404560, MedGen C1838547, MONDO:0011713, OMIM 606719. Disease mechanism: loss of function.

Allele frequency attached by ClinVar (database versions not stated): TOPMed 0.00001.

Submissions (2):

Labcorp Genetics (formerly Invitae), Labcorp
Classification: Likely benign for Familial melanoma. Last evaluated: 2025-10-13. Review status: criteria provided, single submitter. Criteria: Invitae Variant Classification Sherloc (09022015). Collection method: clinical testing. Allele origin: germline.

Myriad Genetics, Inc.
Classification: Benign for Melanoma-pancreatic cancer syndrome. Last evaluated: 2025-08-13. Review status: criteria provided, single submitter. Criteria: Myriad Autosomal Dominant, Autosomal Recessive and X-Linked Classification Criteria (2023). Collection method: clinical testing. Allele origin: unknown.
Comment: This variant is considered benign. This variant is a silent/synonymous amino acid change and it is not expected to impact splicing.

NM_000077.5(CDKN2A):c.120A>T (p.Ala40=)

Gene: CDKN2A (cyclin dependent kinase inhibitor 2A; minus strand). Cytogenetic location: 9p21.3.
Variant type: single nucleotide variant.
Coding change: c.120A>T on transcript NM_000077.5; coding-DNA position 120, A replaced by T.
Protein change: p.Ala40=; no amino-acid change (alanine 40 retained).
Molecular consequence: synonymous variant (on NM_000077.6). On other transcripts: intron variant (2).
Genome position (GRCh38, 1-based): chr9:21,974,708, T>A on the plus strand (A>T on the coding strand, the complement: CDKN2A is on the minus strand). VCF-style: chr9-21974708-T-A. GRCh37 (hg19) VCF-style: chr9-21974707-T-A.
Other names: c.120A>T, p.Ala40= (NM_000077.6, NM_001195132.2, NM_058197.5); c.-3-3500A>T (NM_001363763.2); c.194-3500A>T (NM_058195.4).
Identifiers: ClinVar variation 1091471 (VCV001091471.10), dbSNP rs1435003150, ClinGen allele CA464100126.